The following is an entry in ClinVar:

NM_001197104.2(KMT2A):c.6571C>G (p.Arg2191Gly)

Gene: KMT2A (lysine methyltransferase 2A; plus strand). Cytogenetic location: 11q23.3.
Variant type: single nucleotide variant.
Coding change: c.6571C>G on transcript NM_001197104.2 (MANE Select); coding-DNA position 6571, C replaced by G.
Protein change: p.Arg2191Gly; replaces arginine 2191 with glycine.
Molecular consequence: missense variant.
Genome position (GRCh38, 1-based): chr11:118,502,463, C>G. VCF-style: chr11-118502463-C-G. GRCh37 (hg19) VCF-style: chr11-118373178-C-G.
Other names: c.6661C>G, p.Arg2221Gly (NM_001412597.1); c.6562C>G, p.Arg2188Gly (NM_005933.4); short protein forms R2191G, R2188G, R2221G.
Identifiers: ClinVar variation 3634332 (VCV003634332.2).

ClinVar aggregate classification (germline): Uncertain significance (1 of 4 stars; one submission).

Submission:

Labcorp Genetics (formerly Invitae), Labcorp
Classification: Uncertain significance. Last evaluated: 2024-10-24. Review status: criteria provided, single submitter. Criteria: Invitae Variant Classification Sherloc (09022015). Collection method: clinical testing. Allele origin: germline.
Comment: This sequence change replaces arginine, which is basic and polar, with glycine, which is neutral and non-polar, at codon 2191 of the KMT2A protein (p.Arg2191Gly). This variant is not present in population databases (gnomAD no frequency). This variant has not been reported in the literature in individuals affected with KMT2A-related conditions. Invitae Evidence Modeling of protein sequence and biophysical properties (such as structural, functional, and spatial information, amino acid conservation, physicochemical variation, residue mobility, and thermodynamic stability) indicates that this missense variant is not expected to disrupt KMT2A protein function with a negative predictive value of 95%. In summary, the available evidence is currently insufficient to determine the role of this variant in disease. Therefore, it has been classified as a Variant of Uncertain Significance.